The following is an entry in ClinVar:

NM_002528.7(NTHL1):c.157G>C (p.Ala53Pro)

Gene: NTHL1 (nth like DNA glycosylase 1; minus strand). Cytogenetic location: 16p13.3.
Variant type: single nucleotide variant.
Coding change: c.157G>C on transcript NM_002528.7 (MANE Select); coding-DNA position 157, G replaced by C.
Protein change: p.Ala53Pro; replaces alanine 53 with proline.
Molecular consequence: missense variant. On other transcripts: 5 prime UTR variant (1).
Genome position (GRCh38, 1-based): chr16:2,046,325, C>G on the plus strand (G>C on the coding strand, the complement: NTHL1 is on the minus strand). VCF-style: chr16-2046325-C-G. GRCh37 (hg19) VCF-style: chr16-2096326-C-G.
Other names: c.157G>C, p.Ala53Pro (NM_001318193.2); c.-22G>C (NM_001318194.2); c.181G>C (NM_002528.5); short protein forms A53P.
Identifiers: ClinVar variation 2099226 (VCV002099226.6), dbSNP rs2150947311, ClinGen allele CA394297943.

ClinVar aggregate classification (germline): Uncertain significance. Review status: criteria provided, multiple submitters, no conflicts (2 of 4 stars). 2 submissions from 2 submitters: Uncertain significance (2). Last evaluated 2025-11-08.

Conditions:
Hereditary cancer-predisposing syndrome. Also called: Hereditary neoplastic syndrome; Neoplastic Syndromes, Hereditary; Tumor predisposition; Hereditary Cancer Syndrome. Identifiers: Orphanet 140162, MedGen C0027672, MeSH D009386, MONDO:0015356.

Submissions (2):

Ambry Genetics
Classification: Uncertain significance for Hereditary cancer-predisposing syndrome. Last evaluated: 2025-11-08. Review status: criteria provided, single submitter. Criteria: Ambry Variant Classification Scheme 2023. Collection method: clinical testing. Allele origin: germline.

Labcorp Genetics (formerly Invitae), Labcorp
Classification: Uncertain significance. Last evaluated: 2024-02-23. Review status: criteria provided, single submitter. Criteria: Invitae Variant Classification Sherloc (09022015). Collection method: clinical testing. Allele origin: germline.
Comment: This sequence change replaces alanine, which is neutral and non-polar, with proline, which is neutral and non-polar, at codon 61 of the NTHL1 protein (p.Ala61Pro). This variant is not present in population databases (gnomAD no frequency). This variant has not been reported in the literature in individuals affected with NTHL1-related conditions. ClinVar contains an entry for this variant (Variation ID: 2099226). An algorithm developed to predict the effect of missense changes on protein structure and function (PolyPhen-2) suggests that this variant is likely to be tolerated. In summary, the available evidence is currently insufficient to determine the role of this variant in disease. Therefore, it has been classified as a Variant of Uncertain Significance.